The following is an entry in ClinVar:

ClinVar aggregate classification (germline): Likely pathogenic. Review status: criteria provided, multiple submitters, no conflicts (2 of 4 stars). 2 submissions from 2 submitters: Likely pathogenic (2). Last evaluated 2024-05-13.

Conditions:
Stüve-Wiedemann syndrome 1. Also called: STUVE-WIEDEMANN/SCHWARTZ-JAMPEL TYPE 2 SYNDROME. Identifiers: Orphanet 3206, MedGen C5676888, MONDO:0800043, OMIM 601559.
Stuve-Wiedemann syndrome (STWS). Also called: Stüve-Wiedemann syndrome. Identifiers: Orphanet 3206, MedGen C0796176, MONDO:0031280.

Submissions (2):

Natera, Inc.
Classification: Likely pathogenic for Stuve-Wiedemann syndrome. Last evaluated: 2024-05-13. Review status: criteria provided, single submitter. Criteria: Natera Variant Classification Schema (03/2026). Collection method: clinical testing. Allele origin: germline.
Comment: The c.1136_1137delAT variant in LIFR is a frameshift variant predicted to shift the reading frame beginning at codon 379 and leads to a stop codon 2 codons downstream. This variant is expected to result in nonsense mediated decay, truncation, or a dysfunctional protein product. This variant is rare in the general population with a frequency below the threshold expected for the associated phenotype(s). Given the available evidence, this variant is classified as Likely Pathogenic.

Division of Medical Genetics, Department of Pediatrics, All India Institute of Medical Sciences, New Delhi
Classification: Likely pathogenic for Stüve-Wiedemann syndrome 1. Last evaluated: 2023-06-15. Review status: criteria provided, single submitter. Criteria: ACMG Guidelines, 2015. Collection method: research. Allele origin: germline. Affected: yes.

NM_001127671.2(LIFR):c.1136_1137del (p.Tyr379fs)

Gene: LIFR (LIF receptor subunit alpha; minus strand). Cytogenetic location: 5p13.1.
Variant type: Microsatellite.
Coding change: c.1136_1137del on transcript NM_001127671.2 (MANE Select); coding-DNA positions 1136 to 1137, 2 bases deleted (AT; older notation c.1136_1137delAT).
Protein change: p.Tyr379fs; shifts the reading frame from tyrosine 379.
Molecular consequence: frameshift variant.
Genome position (GRCh38, 1-based): chr5:38,506,059-38,506,060, AT deleted on the plus strand (AT on the coding strand, the reverse complement: LIFR is on the minus strand); deleting any 2 consecutive bases within chr5:38,506,059-38,506,062 gives the same sequence; the c. name uses the placement nearest the transcript's 3' end. VCF-style (leftmost placement, unchanged base first): chr5-38506058-CAT-C. GRCh37 (hg19) VCF-style: chr5-38506160-CAT-C.
Other names: c.1136_1137del, p.Tyr379fs (NM_001364297.2, NM_001364298.2, NM_002310.6); c.1136_1137delAT (NM_002310.5); short protein forms Y379fs.
Identifiers: ClinVar variation 2506373 (VCV002506373.2), dbSNP rs748088219, ClinGen allele CA3243030.
Genomic context (GRCh38, chr5:38,506,058, plus strand): 5'-GCATTTGAAATAATAATTGATAGCTTTCGTTTGTAGGTGCTTCAGCTCTTTTAAGTCTAA[CAT>C]ATTTTCCTGAAAAACTGTTAATTAACAGAAAAATAATTTCAAAATGGCAAGAGATAAATA-3'